The following is an entry in ClinVar:

NM_032578.4(MYPN):c.3235C>T (p.Pro1079Ser)

Gene: MYPN (myopalladin; plus strand). Cytogenetic location: 10q21.3.
Variant type: single nucleotide variant.
Coding change: c.3235C>T on transcript NM_032578.4 (MANE Select); coding-DNA position 3235, C replaced by T.
Protein change: p.Pro1079Ser; replaces proline 1079 with serine.
Molecular consequence: missense variant. On other transcripts: non-coding transcript variant (2).
Genome position (GRCh38, 1-based): chr10:68,197,428, C>T. VCF-style: chr10-68197428-C-T. GRCh37 (hg19) VCF-style: chr10-69957185-C-T.
Other names: c.3235C>T, p.Pro1079Ser (NM_001256267.2); c.2353C>T, p.Pro785Ser (NM_001256268.2); c.3235C>T (NM_032578.2); short protein forms P1079S, P785S.
Identifiers: ClinVar variation 1307082 (VCV001307082.3), dbSNP rs2134290262, ClinGen allele CA376858423.

ClinVar aggregate classification (germline): Uncertain significance. Review status: criteria provided, multiple submitters, no conflicts (2 of 4 stars). 2 submissions from 2 submitters: Uncertain significance (2). Last evaluated 2025-04-14.

Conditions:
Cardiovascular phenotype. Identifiers: MedGen CN230736.

Allele frequency attached by ClinVar (database versions not stated): gnomAD exomes 0.00001.
gnomAD v4.1: 13 of 1,614,000 alleles (0.00081%); highest among the groups gnomAD compares: Non-Finnish European, 0.0011%; no homozygotes.

Submissions (2):

Ambry Genetics
Classification: Uncertain significance for Cardiovascular phenotype. Last evaluated: 2025-04-14. Review status: criteria provided, single submitter. Criteria: Ambry Variant Classification Scheme 2023. Collection method: clinical testing. Allele origin: germline.
Comment: The p.P1079S variant (also known as c.3235C>T), located in coding exon 15 of the MYPN gene, results from a C to T substitution at nucleotide position 3235. The proline at codon 1079 is replaced by serine, an amino acid with similar properties. This amino acid position is conserved. In addition, the in silico prediction for this alteration is inconclusive. Based on the available evidence, the clinical significance of this variant remains unclear.

GeneDx
Classification: Uncertain significance. Last evaluated: 2019-07-10. Review status: criteria provided, single submitter. Criteria: GeneDx Variant Classification Process June 2021. Collection method: clinical testing. Allele origin: germline. Affected: yes.
Comment: Has not been previously published as pathogenic or benign to our knowledge; Not observed in large population cohorts (Lek et al., 2016); In silico analysis, which includes protein predictors and evolutionary conservation, supports a deleterious effect